The following is an entry in ClinVar:

ClinVar aggregate classification (germline): Conflicting classifications of pathogenicity. Review status: criteria provided, conflicting classifications (1 of 4 stars). 6 submissions from 6 submitters: Uncertain significance (5); Likely benign (1). Last evaluated 2025-10-02.

Conditions:
Hereditary cancer-predisposing syndrome. Also called: Hereditary neoplastic syndrome; Hereditary Cancer Syndrome; Neoplastic Syndromes, Hereditary; Tumor predisposition. Identifiers: Orphanet 140162, MedGen C0027672, MeSH D009386, MONDO:0015356.
Breast-ovarian cancer, familial, susceptibility to, 2 (BROVCA2). Also called: BRCA2 Hereditary Breast and Ovarian Cancer. Identifiers: Orphanet 145, MedGen C2675520, MONDO:0012933, OMIM 612555. Disease mechanism: loss of function.
Hereditary breast ovarian cancer syndrome. Also called: Hereditary breast and ovarian cancer syndrome; BRCA1- and BRCA2-Associated Hereditary Breast and Ovarian Cancer; Hereditary breast and/or ovarian cancer syndrome; Hereditary breast and ovarian cancer; Breast and ovarian cancer; Hereditary breast and ovarian cancer syndrome (HBOC). Identifiers: Orphanet 145, MedGen C0677776, MeSH D061325, MONDO:0003582. Disease mechanism: loss of function.

Submissions (6):

Ambry Genetics
Classification: Uncertain significance for Hereditary cancer-predisposing syndrome. Last evaluated: 2025-10-02. Review status: criteria provided, single submitter. Criteria: Ambry Variant Classification Scheme 2023. Collection method: clinical testing. Allele origin: germline.
Comment: The p.Q1063P variant (also known as c.3188A>C), located in coding exon 10 of the BRCA2 gene, results from an A to C substitution at nucleotide position 3188. The glutamine at codon 1063 is replaced by proline, an amino acid with similar properties. This amino acid position is not well conserved in available vertebrate species. In addition, this alteration is predicted to be tolerated by in silico analysis. Since supporting evidence is limited at this time, the clinical significance of p.Q1063P remains unclear.

Labcorp Genetics (formerly Invitae), Labcorp
Classification: Uncertain significance for Hereditary breast ovarian cancer syndrome. Last evaluated: 2025-08-01. Review status: criteria provided, single submitter. Criteria: Invitae Variant Classification Sherloc (09022015). Collection method: clinical testing. Allele origin: germline.
Comment: This sequence change replaces glutamine, which is neutral and polar, with proline, which is neutral and non-polar, at codon 1063 of the BRCA2 protein (p.Gln1063Pro). This variant is not present in population databases (gnomAD no frequency). This variant has not been reported in the literature in individuals affected with BRCA2-related conditions. ClinVar contains an entry for this variant (Variation ID: 419437). Invitae Evidence Modeling of protein sequence and biophysical properties (such as structural, functional, and spatial information, amino acid conservation, physicochemical variation, residue mobility, and thermodynamic stability) indicates that this missense variant is not expected to disrupt BRCA2 protein function with a negative predictive value of 95%. In summary, the available evidence is currently insufficient to determine the role of this variant in disease. Therefore, it has been classified as a Variant of Uncertain Significance.

All of Us Research Program, National Institutes of Health
Classification: Uncertain significance for Breast-ovarian cancer, familial, susceptibility to, 2. Last evaluated: 2023-09-17. Review status: criteria provided, single submitter. Criteria: ACMG Guidelines, 2015. Collection method: clinical testing. Allele origin: germline. Inheritance: Autosomal dominant inheritance. Observed: 1 variant allele, 1 heterozygote.
Comment: This missense variant replaces glutamine with proline at codon 1063 of the BRCA2 protein. Computational prediction suggests that this variant may not impact protein structure and function (internally defined REVEL score threshold <= 0.5, PMID: 27666373). To our knowledge, functional studies have not been reported for this variant. This variant has not been reported in individuals affected with BRCA2-related disorders in the literature. This variant has not been identified in the general population by the Genome Aggregation Database (gnomAD). The available evidence is insufficient to determine the role of this variant in disease conclusively. Therefore, this variant is classified as a Variant of Uncertain Significance.

This study involves interpretation of variants in research participants for the purpose of population health screening. Participant phenotype was not available at the time of variant classification. Additional details can be found in publication PMID: 35346344, PMCID: PMC8962531

Color Diagnostics, LLC DBA Color Health
Classification: Uncertain significance for Hereditary cancer-predisposing syndrome. Last evaluated: 2023-08-31. Review status: criteria provided, single submitter. Criteria: ACMG Guidelines, 2015. Collection method: clinical testing. Allele origin: germline.
Comment: This missense variant replaces glutamine with proline at codon 1063 of the BRCA2 protein. Computational prediction suggests that this variant may not impact protein structure and function (internally defined REVEL score threshold <= 0.5, PMID: 27666373). To our knowledge, functional studies have not been reported for this variant. This variant has not been reported in individuals affected with BRCA2-related disorders in the literature. This variant has not been identified in the general population by the Genome Aggregation Database (gnomAD). The available evidence is insufficient to determine the role of this variant in disease conclusively. Therefore, this variant is classified as a Variant of Uncertain Significance.

GeneDx
Classification: Uncertain significance. Last evaluated: 2023-04-14. Review status: criteria provided, single submitter. Criteria: GeneDx Variant Classification Process June 2021. Collection method: clinical testing. Allele origin: germline. Affected: yes.
Comment: Not observed at significant frequency in large population cohorts (gnomAD); In silico analysis supports that this missense variant has a deleterious effect on protein structure/function; Has not been previously published as pathogenic or benign to our knowledge; Also known as 3416A>C; This variant is associated with the following publications: (PMID: 31911673)

University of Washington Department of Laboratory Medicine, University of Washington
Classification: Likely benign for Hereditary cancer-predisposing syndrome. Last evaluated: 2023-03-23. Review status: criteria provided, single submitter. Criteria: Dines et al. (Genet Med. 2020). Collection method: curation. Allele origin: germline.
Comment: Missense variant in a coldspot region where missense variants are very unlikely to be pathogenic (PMID:31911673).

BRCA2 exon 11 coldspot. Reclassification based on statistical prior probability.

NM_000059.4(BRCA2):c.3188A>C (p.Gln1063Pro)

Gene: BRCA2 (BRCA2 DNA repair associated; plus strand). Cytogenetic location: 13q13.1.
Variant type: single nucleotide variant.
Coding change: c.3188A>C on transcript NM_000059.4 (MANE Select); coding-DNA position 3188, A replaced by C.
Protein change: p.Gln1063Pro; replaces glutamine 1063 with proline.
Molecular consequence: missense variant.
Genome position (GRCh38, 1-based): chr13:32,337,543, A>C. VCF-style: chr13-32337543-A-C. GRCh37 (hg19) VCF-style: chr13-32911680-A-C.
Other names: short protein forms Q1063P.
Identifiers: ClinVar variation 419437 (VCV000419437.21), dbSNP rs775030825, ClinGen allele CA16619690.